The following is an entry in ClinVar:

ClinVar aggregate classification (germline): Uncertain significance (1 of 4 stars; one submission).

gnomAD v4.1: 5 of 1,614,080 alleles (0.00031%); highest among the groups gnomAD compares: Non-Finnish European, 0.00042%; no homozygotes.

Submission:

Labcorp Genetics (formerly Invitae), Labcorp
Classification: Uncertain significance. Last evaluated: 2024-02-20. Review status: criteria provided, single submitter. Criteria: Invitae Variant Classification Sherloc (09022015). Collection method: clinical testing. Allele origin: germline.
Comment: This sequence change replaces arginine, which is basic and polar, with leucine, which is neutral and non-polar, at codon 257 of the GSN protein (p.Arg257Leu). This variant is not present in population databases (gnomAD no frequency). This variant has not been reported in the literature in individuals affected with GSN-related conditions. ClinVar contains an entry for this variant (Variation ID: 1922604). Advanced modeling of protein sequence and biophysical properties (such as structural, functional, and spatial information, amino acid conservation, physicochemical variation, residue mobility, and thermodynamic stability) performed at Invitae indicates that this missense variant is not expected to disrupt GSN protein function with a negative predictive value of 80%. In summary, the available evidence is currently insufficient to determine the role of this variant in disease. Therefore, it has been classified as a Variant of Uncertain Significance.

NM_198252.3(GSN):c.617G>T (p.Arg206Leu)

Gene: GSN (gelsolin; plus strand). Cytogenetic location: 9q33.2.
Variant type: single nucleotide variant.
Coding change: c.617G>T on transcript NM_198252.3 (MANE Select); coding-DNA position 617, G replaced by T.
Protein change: p.Arg206Leu; replaces arginine 206 with leucine.
Molecular consequence: missense variant. On other transcripts: 5 prime UTR variant (1).
Genome position (GRCh38, 1-based): chr9:121,312,442, G>T. VCF-style: chr9-121312442-G-T. GRCh37 (hg19) VCF-style: chr9-124074720-G-T.
Other names: c.770G>T, p.Arg257Leu (NM_000177.5); c.617G>T, p.Arg206Leu (NM_001127662.2, NM_001127664.2, NM_001127665.2 and 10 more transcripts); c.725G>T, p.Arg242Leu (NM_001127663.2); c.650G>T, p.Arg217Leu (NM_001127666.2, NM_001127667.2, NM_001353063.2 and 13 more transcripts); c.668G>T, p.Arg223Leu (NM_001258029.2); c.641G>T, p.Arg214Leu (NM_001258030.2); c.689G>T, p.Arg230Leu (NM_001353076.2); c.-38G>T (NM_001353078.2); short protein forms R242L, R257L, R206L, R217L, R223L, R230L, R214L.
Identifiers: ClinVar variation 1922604 (VCV001922604.5), dbSNP rs767693759, ClinGen allele CA374740967.
Genomic context (GRCh38, chr9:121,312,442, plus strand): 5'-GACTGAAGGCCACACAGGTGTCCAAGGGCATCCGGGACAACGAGCGGAGTGGCCGGGCCC[G>T]AGTGCACGTGTCTGAGGAGGGCACTGAGCCCGAGGCGATGCTCCAGGTGCCTGTGGGGTG-3'
Protein context (NP_937895.1, residues 196-216): IRDNERSGRA[Arg206Leu]VHVSEEGTEP